The following is an entry in ClinVar:

NM_021096.4(CACNA1I):c.895G>T (p.Asp299Tyr)

Gene: CACNA1I (calcium voltage-gated channel subunit alpha1 I; plus strand). Cytogenetic location: 22q13.1.
Variant type: single nucleotide variant.
Coding change: c.895G>T on transcript NM_021096.4 (MANE Select); coding-DNA position 895, G replaced by T.
Protein change: p.Asp299Tyr; replaces aspartic acid 299 with tyrosine.
Molecular consequence: missense variant.
Genome position (GRCh38, 1-based): chr22:39,641,021, G>T. VCF-style: chr22-39641021-G-T. GRCh37 (hg19) VCF-style: chr22-40037026-G-T.
Other names: c.895G>T, p.Asp299Tyr (NM_001003406.2); short protein forms D299Y.
Identifiers: ClinVar variation 5001961 (VCV005001961.1).

ClinVar aggregate classification (germline): Uncertain significance (1 of 4 stars; one submission).

Conditions:
CACNA1I-related disorder. Also called: CACNA1I-related condition.

Submission:

PreventionGenetics, part of Exact Sciences
Classification: Uncertain significance for CACNA1I-related condition. Last evaluated: 2025-12-28. Review status: criteria provided, single submitter. Criteria: ACMG Guidelines, 2015. Collection method: clinical testing. Allele origin: germline.
Comment: The CACNA1I c.895G>T variant is predicted to result in the amino acid substitution p.Asp299Tyr. To our knowledge, this variant has not been reported in the literature or in a large population database (gnomAD), indicating this variant is rare. At this time, the clinical significance of this variant is uncertain due to the absence of conclusive functional and genetic evidence.